The following is an entry in ClinVar:

NM_001267550.2(TTN):c.75539G>T (p.Gly25180Val)

Genes: TTN (titin; minus strand), TTN-AS1 (TTN antisense RNA 1; plus strand). Cytogenetic location: 2q31.2.
Variant type: single nucleotide variant.
Coding change: c.75539G>T on transcript NM_001267550.2 (MANE Select); coding-DNA position 75539, G replaced by T.
Protein change: p.Gly25180Val; replaces glycine 25180 with valine.
Molecular consequence: missense variant.
Genome position (GRCh38, 1-based): chr2:178,570,593, C>A on the plus strand (G>T on the coding strand, the complement: TTN is on the minus strand). VCF-style: chr2-178570593-C-A. GRCh37 (hg19) VCF-style: chr2-179435320-C-A.
Other names: p.Gly22612Val; c.70616G>T, p.Gly23539Val (NM_001256850.1); c.48344G>T, p.Gly16115Val (NM_003319.4); c.67835G>T, p.Gly22612Val (NM_133378.4); c.48719G>T, p.Gly16240Val (NM_133432.3); c.48920G>T, p.Gly16307Val (NM_133437.4); short protein forms G23539V, G25180V, G16115V, G16240V, G16307V, G22612V.
Identifiers: ClinVar variation 626416 (VCV000626416.39), dbSNP rs745329154, ClinGen allele CA1990029.

ClinVar aggregate classification (germline): Uncertain significance. Review status: criteria provided, multiple submitters, no conflicts (2 of 4 stars). 4 submissions from 4 submitters: Uncertain significance (4). Last evaluated 2024-01-30.

Conditions:
Cardiomyopathy (CMYO). Also called: Cardiomyopathies. Identifiers: Orphanet 167848, MedGen C0878544, MONDO:0004994, HP:0001638. Inheritance: Various modes of inheritance.

Allele frequency attached by ClinVar (database versions not stated): TOPMed 0.00002; gnomAD 0.00001; gnomAD exomes 0.00001 and 0.00002; ExAC 0.00002.

Submissions (4):

Mayo Clinic Laboratories, Mayo Clinic
Classification: Uncertain significance. Last evaluated: 2024-01-30. Review status: criteria provided, single submitter. Criteria: ACMG Guidelines, 2015. Collection method: clinical testing. Allele origin: germline. Observed: 1 variant allele.
Comment: PP3

Revvity Omics, Revvity
Classification: Uncertain significance. Last evaluated: 2024-01-16. Review status: criteria provided, single submitter. Criteria: ACMG Guidelines, 2015. Collection method: clinical testing. Allele origin: germline.

CeGaT Center for Human Genetics Tuebingen
Classification: Uncertain significance. Last evaluated: 2022-06-01. Review status: criteria provided, single submitter. Criteria: CeGaT Center For Human Genetics Tuebingen Variant Classification Criteria Version 2. Collection method: clinical testing. Allele origin: germline. Affected: yes. Observed: 1 variant allele.

CHEO Genetics Diagnostic Laboratory, Children's Hospital of Eastern Ontario
Classification: Uncertain significance for Cardiomyopathy. Last evaluated: 2017-06-26. Review status: criteria provided, single submitter. Criteria: ACMG Guidelines, 2015. Collection method: clinical testing. Allele origin: germline. Study: Canadian Open Genetics Repository.

Literature cited by the submitters: PubMed 31983221 (cited by Mayo Clinic Laboratories, Mayo Clinic).